The following is an entry in ClinVar:

NM_032188.3(KAT8):c.168G>A (p.Glu56=)

Gene: KAT8 (lysine acetyltransferase 8; plus strand). Cytogenetic location: 16p11.2.
Variant type: single nucleotide variant.
Coding change: c.168G>A on transcript NM_032188.3 (MANE Select); coding-DNA position 168, G replaced by A.
Protein change: p.Glu56=; no amino-acid change (glutamic acid 56 retained).
Molecular consequence: synonymous variant.
Genome position (GRCh38, 1-based): chr16:31,117,849, G>A. VCF-style: chr16-31117849-G-A. GRCh37 (hg19) VCF-style: chr16-31129170-G-A.
Other names: c.168G>A, p.Glu56= (NM_182958.4).
Identifiers: ClinVar variation 4534757 (VCV004534757.6).

ClinVar aggregate classification (germline): Likely benign (1 of 4 stars; one submission).

gnomAD v4.1: 2 of 1,437,958 alleles (0.00014%); highest among the groups gnomAD compares: Non-Finnish European, 0.000092%; no homozygotes.

Submission:

CeGaT Center for Human Genetics Tuebingen
Classification: Likely benign. Last evaluated: 2025-10-01. Review status: criteria provided, single submitter. Criteria: CeGaT Center For Human Genetics Tuebingen Variant Classification Criteria Version 2. Collection method: clinical testing. Allele origin: germline. Affected: yes. Observed: 1 variant allele.
Comment: KAT8: BP4, BP7